The following is an entry in ClinVar:

NM_006767.4(LZTR1):c.2258del (p.Asn753fs)

Gene: LZTR1 (leucine zipper like post translational regulator 1; plus strand). Cytogenetic location: 22q11.21.
Variant type: Deletion.
Coding change: c.2258del on transcript NM_006767.4 (MANE Select); coding-DNA position 2258, one base deleted (A; older notation c.2258delA).
Protein change: p.Asn753fs; shifts the reading frame from asparagine 753.
Molecular consequence: frameshift variant.
Genome position (GRCh38, 1-based): chr22:20,996,734, A deleted; the last of 2 consecutive A bases (chr22:20,996,733-20,996,734); deleting either gives the same sequence. VCF-style (leftmost placement, unchanged base first): chr22-20996732-CA-C. GRCh37 (hg19) VCF-style: chr22-21351021-CA-C.
Other names: c.2258delA (NM_006767.4); short protein forms N753fs.
Identifiers: ClinVar variation 2501186 (VCV002501186.2), dbSNP rs2518625696, ClinGen allele CA2580615259.
Genomic context (GRCh38, chr22:20,996,732, plus strand): 5'-GTCAGCTCCTTAACCAGGCCCCAGCTACTTGTTTGCGGCCCCCTACTACTACGGCTTCTA[CA>C]ACAACCGGCTGCAGGCGTACTGCAAGCAGAACCTGGAGATGAACGTGACGGTGCAGAACG-3'

ClinVar aggregate classification (germline): Pathogenic (1 of 4 stars; one submission).

Conditions:
Schwannomatosis. Identifiers: Orphanet 93921, MedGen C1335929, MeSH C536641, MONDO:0008075.

Submission:

Women's Health and Genetics/Laboratory Corporation of America, LabCorp
Classification: Pathogenic for Schwannomatosis. Last evaluated: 2024-08-26. Review status: criteria provided, single submitter. Criteria: LabCorp Variant Classification Summary - May 2015. Collection method: clinical testing. Allele origin: germline.
Comment: Variant summary: LZTR1 c.2258delA (p.Asn753ThrfsX14) results in a premature termination codon, predicted to cause a truncation of the encoded protein or absence of the protein due to nonsense mediated decay, which are commonly known mechanisms for disease. The frequency data for this variant in gnomAD is considered unreliable, as metrics indicate poor data quality at this position. To our knowledge, no occurrence of c.2258delA in individuals affected with LZTR1-related conditions and no experimental evidence demonstrating its impact on protein function have been reported. ClinVar contains an entry for this variant (Variation ID: 2501186). Germline loss of function mutations in LZTR1 have been reported to predispose to an inherited disorder of multiple schwannomas (Piotrowski_2014) and recessive Noonan syndrome (Johnston_2018). Based on the evidence outlined above, the variant was classified as pathogenic for the risk of multiple schwannomas and recessive Noonan syndrome.